The following is an entry in ClinVar:

NC_000005.10:g.112707362T>A

Gene: APC (APC regulator of Wnt signaling pathway; plus strand). Cytogenetic location: 5q22.2.
Variant type: single nucleotide variant.
Genome position: GRCh38 VCF-style: chr5-112707362-T-A. GRCh37 (hg19) VCF-style: chr5-112043059-T-A.
Identifiers: ClinVar variation 1445195 (VCV001445195.6), dbSNP rs113077479, ClinGen allele CA2573138739.

ClinVar aggregate classification (germline): Uncertain significance (1 of 4 stars; one submission).

Conditions:
Familial adenomatous polyposis 1 (FAP1). Also called: FAMILIAL ADENOMATOUS POLYPOSIS 1, ATTENUATED; POLYPOSIS, ADENOMATOUS INTESTINAL. Identifiers: MedGen C2713442, MONDO:0021056, OMIM 175100. Disease mechanism: loss of function.

Submission:

Labcorp Genetics (formerly Invitae), Labcorp
Classification: Uncertain significance for Familial adenomatous polyposis 1. Last evaluated: 2021-10-28. Review status: criteria provided, single submitter. Criteria: Invitae Variant Classification Sherloc (09022015). Collection method: clinical testing. Allele origin: germline.
Comment: In summary, the available evidence is currently insufficient to determine the role of this variant in disease. Therefore, it has been classified as a Variant of Uncertain Significance. Experimental studies and prediction algorithms are not available or were not evaluated, and the functional significance of this variant is currently unknown. This variant has not been reported in the literature in individuals affected with APC-related conditions. This variant is not present in population databases (gnomAD no frequency). This variant occurs in a non-coding region of the APC gene. It does not change the encoded amino acid sequence of the APC protein.